The following is an entry in ClinVar:

NM_000264.5(PTCH1):c.3593C>G (p.Pro1198Arg)

Gene: PTCH1 (patched 1; minus strand). Cytogenetic location: 9q22.32.
Variant type: single nucleotide variant.
Coding change: c.3593C>G on transcript NM_000264.5 (MANE Select); coding-DNA position 3593, C replaced by G.
Protein change: p.Pro1198Arg; replaces proline 1198 with arginine.
Molecular consequence: missense variant. On other transcripts: non-coding transcript variant (1).
Genome position (GRCh38, 1-based): chr9:95,449,280, G>C on the plus strand (C>G on the coding strand, the complement: PTCH1 is on the minus strand). VCF-style: chr9-95449280-G-C. GRCh37 (hg19) VCF-style: chr9-98211562-G-C.
Other names: c.3395C>G, p.Pro1132Arg (NM_001083602.3); c.3590C>G, p.Pro1197Arg (NM_001083603.3); c.3140C>G, p.Pro1047Arg (NM_001083604.3, NM_001083605.3, NM_001083606.3 and 1 more transcripts); c.3437C>G, p.Pro1146Arg (NM_001354918.2); short protein forms P1132R, P1198R, P1047R, P1146R, P1197R.
Identifiers: ClinVar variation 568033 (VCV000568033.14), dbSNP rs1564008924, ClinGen allele CA374111335.
Genomic context (GRCh38, chr9:95,449,280, plus strand): 5'-GACCCGCTGTGCGTGTGGCCGGGCGGCATGGCGAAGCGGACCACGCTGGGGGGTGGCTCA[G>C]GGGAGGGTGTGGGCAGGCGGTTCAAGCCGTTGGCTGGAGACACCTATTTAAGGGGATTCC-3'
Protein context (NP_000255.2, residues 1188-1208): NGLNRLPTPS[Pro1198Arg]EPPPSVVRFA

ClinVar aggregate classification (germline): Uncertain significance. Review status: criteria provided, multiple submitters, no conflicts (2 of 4 stars). 2 submissions from 2 submitters: Uncertain significance (2). Last evaluated 2025-12-05.

Conditions:
Hereditary cancer-predisposing syndrome. Also called: Neoplastic Syndromes, Hereditary; Tumor predisposition; Hereditary Cancer Syndrome; Hereditary neoplastic syndrome. Identifiers: Orphanet 140162, MedGen C0027672, MeSH D009386, MONDO:0015356.
Gorlin syndrome. Also called: Nevoid Basal Cell Carcinoma Syndrome; Basal cell nevus syndrome. Identifiers: Orphanet 377, MedGen C0004779, MONDO:0007187.

Submissions (2):

Labcorp Genetics (formerly Invitae), Labcorp
Classification: Uncertain significance for Gorlin syndrome. Last evaluated: 2025-12-05. Review status: criteria provided, single submitter. Criteria: Invitae Variant Classification Sherloc (09022015). Collection method: clinical testing. Allele origin: germline.
Comment: This sequence change replaces proline, which is neutral and non-polar, with arginine, which is basic and polar, at codon 1198 of the PTCH1 protein (p.Pro1198Arg). This variant is not present in population databases (gnomAD no frequency). This variant has not been reported in the literature in individuals affected with PTCH1-related conditions. ClinVar contains an entry for this variant (Variation ID: 568033). Invitae Evidence Modeling of protein sequence and biophysical properties (such as structural, functional, and spatial information, amino acid conservation, physicochemical variation, residue mobility, and thermodynamic stability) has been performed for this missense variant. However, the output from this modeling did not meet the statistical confidence thresholds required to predict the impact of this variant on PTCH1 protein function. In summary, the available evidence is currently insufficient to determine the role of this variant in disease. Therefore, it has been classified as a Variant of Uncertain Significance.

Ambry Genetics
Classification: Uncertain significance for Hereditary cancer-predisposing syndrome. Last evaluated: 2025-02-08. Review status: criteria provided, single submitter. Criteria: Ambry Variant Classification Scheme 2023. Collection method: clinical testing. Allele origin: germline.
Comment: The p.P1198R variant (also known as c.3593C>G), located in coding exon 22 of the PTCH1 gene, results from a C to G substitution at nucleotide position 3593. The proline at codon 1198 is replaced by arginine, an amino acid with dissimilar properties. This amino acid position is well conserved in available vertebrate species. In addition, the in silico prediction for this alteration is inconclusive. Since supporting evidence is limited at this time, the clinical significance of this alteration remains unclear.